The following is an entry in ClinVar:

ClinVar aggregate classification (germline): Uncertain significance (1 of 4 stars; one submission).

Conditions:
Primary ciliary dyskinesia 23 (CILD23). Also called: CILIARY DYSKINESIA, PRIMARY, 23, WITH OR WITHOUT SITUS INVERSUS. Identifiers: Orphanet 244, MedGen C3809548, MONDO:0014193, OMIM 615451.

Submission:

Labcorp Genetics (formerly Invitae), Labcorp
Classification: Uncertain significance for Primary ciliary dyskinesia 23. Last evaluated: 2022-05-28. Review status: criteria provided, single submitter. Criteria: Invitae Variant Classification Sherloc (09022015). Collection method: clinical testing. Allele origin: germline.
Comment: In summary, the available evidence is currently insufficient to determine the role of this variant in disease. Therefore, it has been classified as a Variant of Uncertain Significance. Algorithms developed to predict the effect of missense changes on protein structure and function output the following: SIFT: "Tolerated"; PolyPhen-2: "Benign"; Align-GVGD: "Class C0". The valine amino acid residue is found in multiple mammalian species, which suggests that this missense change does not adversely affect protein function. This variant has not been reported in the literature in individuals affected with ARMC4-related conditions. This variant is not present in population databases (gnomAD no frequency). This sequence change replaces aspartic acid, which is acidic and polar, with valine, which is neutral and non-polar, at codon 1019 of the ARMC4 protein (p.Asp1019Val).

NM_018076.5(ODAD2):c.3056A>T (p.Asp1019Val)

Genes: ODAD2 (outer dynein arm docking complex subunit 2; minus strand), LOC132089773 (Neanderthal introgressed variant-containing enhancer experimental_12116; plus strand). Cytogenetic location: 10p12.1.
Variant type: single nucleotide variant.
Coding change: c.3056A>T on transcript NM_018076.5 (MANE Select); coding-DNA position 3056, A replaced by T.
Protein change: p.Asp1019Val; replaces aspartic acid 1019 with valine.
Molecular consequence: missense variant.
Genome position (GRCh38, 1-based): chr10:27,812,591, T>A on the plus strand (A>T on the coding strand, the complement: ODAD2 is on the minus strand). VCF-style: chr10-27812591-T-A. GRCh37 (hg19) VCF-style: chr10-28101520-T-A.
Other names: c.3056A>T, p.Asp1019Val (NM_001290020.2); c.1753A>T, p.Ile585Phe (NM_001290021.2); c.2132A>T, p.Asp711Val (NM_001312689.2); short protein forms I585F, D1019V, D711V.
Identifiers: ClinVar variation 1999980 (VCV001999980.4), dbSNP rs772239137, ClinGen allele CA376491088.